The following is an entry in ClinVar:

ClinVar aggregate classification (germline): Uncertain significance (1 of 4 stars; one submission).

Conditions:
Brugada syndrome 8 (BRGDA8). Identifiers: Orphanet 130, MedGen C2751083, MONDO:0013148, OMIM 613123.

Submission:

Labcorp Genetics (formerly Invitae), Labcorp
Classification: Uncertain significance for Brugada syndrome 8. Last evaluated: 2024-12-16. Review status: criteria provided, single submitter. Criteria: Invitae Variant Classification Sherloc (09022015). Collection method: clinical testing. Allele origin: germline.
Comment: This sequence change replaces serine, which is neutral and polar, with arginine, which is basic and polar, at codon 99 of the HCN4 protein (p.Ser99Arg). This variant is not present in population databases (gnomAD no frequency). This variant has not been reported in the literature in individuals affected with HCN4-related conditions. Invitae Evidence Modeling of protein sequence and biophysical properties (such as structural, functional, and spatial information, amino acid conservation, physicochemical variation, residue mobility, and thermodynamic stability) has been performed for this missense variant. However, the output from this modeling did not meet the statistical confidence thresholds required to predict the impact of this variant on HCN4 protein function. In summary, the available evidence is currently insufficient to determine the role of this variant in disease. Therefore, it has been classified as a Variant of Uncertain Significance.

NM_005477.3(HCN4):c.297C>G (p.Ser99Arg)

Gene: HCN4 (hyperpolarization activated cyclic nucleotide gated potassium channel 4; minus strand). Cytogenetic location: 15q24.1.
Variant type: single nucleotide variant.
Coding change: c.297C>G on transcript NM_005477.3 (MANE Select); coding-DNA position 297, C replaced by G.
Protein change: p.Ser99Arg; replaces serine 99 with arginine.
Molecular consequence: missense variant.
Genome position (GRCh38, 1-based): chr15:73,367,974, G>C on the plus strand (C>G on the coding strand, the complement: HCN4 is on the minus strand). VCF-style: chr15-73367974-G-C. GRCh37 (hg19) VCF-style: chr15-73660315-G-C.
Other names: short protein forms S99R.
Identifiers: ClinVar variation 3636621 (VCV003636621.2).